The following is an entry in ClinVar:

NM_030667.3(PTPRO):c.255G>A (p.Lys85=)

Gene: PTPRO (protein tyrosine phosphatase receptor type O; plus strand). Cytogenetic location: 12p12.3.
Variant type: single nucleotide variant.
Coding change: c.255G>A on transcript NM_030667.3 (MANE Select); coding-DNA position 255, G replaced by A.
Protein change: p.Lys85=; no amino-acid change (lysine 85 retained).
Molecular consequence: synonymous variant.
Genome position (GRCh38, 1-based): chr12:15,484,153, G>A. VCF-style: chr12-15484153-G-A. GRCh37 (hg19) VCF-style: chr12-15637087-G-A.
Other names: c.255G>A, p.Lys85= (NM_002848.4).
Identifiers: ClinVar variation 3036572 (VCV003036572.2), dbSNP rs143278258, ClinGen allele CA6466220.
Genomic context (GRCh38, chr12:15,484,153, plus strand): 5'-AAATTATTTCTTCGAATTTGAGGAATTCAACAGCACTTTGCCTCCTCCTGTTATTTTCAA[G>A]GCCAGTTATCATGGCCTTTATTATATAATCACTCTGGTAGTGGTAAATGGAAATGTGGTG-3'
Protein context (NP_109592.1, residues 75-95): NSTLPPPVIF[Lys85=]ASYHGLYYII

ClinVar aggregate classification (germline): Likely benign (0 of 4 stars; one submission).

Conditions:
PTPRO-related disorder. Also called: PTPRO-related condition.

Allele frequency attached by ClinVar (database versions not stated): ExAC 0.00002; gnomAD 0.00003; gnomAD exomes 0.00003; TOPMed 0.00003; ESP Exome Variant Server 0.00008; 1000 Genomes Project 30x 0.00016.
gnomAD v4.1: 55 of 1,613,736 alleles (0.0034%); highest among the groups gnomAD compares: Non-Finnish European, 0.0044%; no homozygotes.

Submission:

PreventionGenetics, part of Exact Sciences
Classification: Likely benign for PTPRO-related condition. Last evaluated: 2022-07-18. Review status: no assertion criteria provided. Collection method: clinical testing. Allele origin: germline.
Comment: This variant is classified as likely benign based on ACMG/AMP sequence variant interpretation guidelines (Richards et al. 2015 PMID: 25741868, with internal and published modifications).